The following is an entry in ClinVar:

NM_000152.5(GAA):c.956-5_957del

Gene: GAA (alpha glucosidase; plus strand). Cytogenetic location: 17q25.3.
Variant type: Deletion.
Coding change: c.956-5_957del on transcript NM_000152.5 (MANE Select); 5 bases into the intron before coding-DNA position 956 through coding-DNA position 957, 7 bases deleted (TCCAGAT; older notation c.956-5_957delTCCAGAT).
Molecular consequence: splice acceptor variant.
Genome position (GRCh38, 1-based): chr17:80,108,285-80,108,291, TCCAGAT deleted; deleting any 7 consecutive bases within chr17:80,108,284-80,108,291 gives the same sequence; the c. name uses the placement nearest the transcript's 3' end. VCF-style (leftmost placement, unchanged base first): chr17-80108283-CTTCCAGA-C. GRCh37 (hg19) VCF-style: chr17-78082082-CTTCCAGA-C.
Other names: c.956-5_957del (NM_001406741.1, NM_001406742.1, NM_001079803.3 and 1 more transcripts); c.956-5_957delTCCAGAT (NM_000152.5).
Identifiers: ClinVar variation 2573372 (VCV002573372.5), dbSNP rs2039141441, ClinGen allele CA2277812649.

ClinVar aggregate classification (germline): Likely pathogenic. Review status: criteria provided, multiple submitters, no conflicts (2 of 4 stars). 3 submissions from 3 submitters: Likely pathogenic (3). Last evaluated 2026-07-01.

Conditions:
Glycogen storage disease, type II (IOPD). Also called: CARDIOMEGALIA GLYCOGENICA DIFFUSA; GLYCOGENOSIS, GENERALIZED, CARDIAC FORM; GSD II; Glycogen storage disease type 2; Acid maltase deficiency disease; Aglucosidase alfa. Identifiers: Orphanet 365, MedGen C0017921, MONDO:0009290, OMIM 232300.

Submissions (3):

Genomenon, Inc
Classification: Likely pathogenic for Glycogen storage disease, type II. Last evaluated: 2026-07-01. Review status: criteria provided, single submitter. Criteria: Genomenon Sequence Variant Interpretation Standards - Updated. Collection method: curation. Allele origin: germline.
Comment: GAA c.956-5_957del is a deletion that affects the acceptor splice site of intron 5. It is predicted to affect mRNA splicing, leading to a deleterious effect on the GAA protein. This variant has been reported in the compound heterozygous and/or homozygous state in an individual without a confirmed diagnosis of Pompe disease (PMID:34530085). It is absent or not present at a significant frequency in gnomAD. In conclusion, we classify GAA c.956-5_957del as a likely pathogenic variant.

Women's Health and Genetics/Laboratory Corporation of America, LabCorp
Classification: Likely pathogenic for Glycogen storage disease, type II. Last evaluated: 2025-03-03. Review status: criteria provided, single submitter. Criteria: LabCorp Variant Classification Summary - May 2015. Collection method: clinical testing. Allele origin: germline.
Comment: Variant summary: GAA_956-5_957delTCCAGAT is located in a canonical splice-site and is predicted to affect mRNA splicing resulting in a significantly altered protein due to either exon skipping, shortening, or inclusion of intronic material. Several computational tools predict a significant impact on normal splicing: four predict the variant abolishes a 3' acceptor site, and four predict the variant strengthens a cryptic 3' acceptor site fourteen nucleotides downstream, potentially leading to a frameshift. However, these predictions have yet to be confirmed by functional studies. The variant was absent in 251194 control chromosomes (gnomAD). c.956-5_957delTCCAGAT has been reported in the literature in at least one compound heterozygous individual affected with Glycogen Storage Disease, Type 2 (Pompe Disease) (e.g., Aminoso_2021). These data indicate the variant is likely to be associated with disease. To our knowledge, no experimental evidence demonstrating an impact on protein function has been reported. The following publication was ascertained in the context of this evaluation (PMID: 34530085). No clinical diagnostic laboratories have submitted clinical-significance assessments for this variant to ClinVar after 2014. Based on the evidence outlined above, the variant was classified as likely pathogenic.

Labcorp Genetics (formerly Invitae), Labcorp
Classification: Likely pathogenic for Glycogen storage disease, type II. Last evaluated: 2024-04-03. Review status: criteria provided, single submitter. Criteria: Invitae Variant Classification Sherloc (09022015). Collection method: clinical testing. Allele origin: germline.
Comment: This variant results in the deletion of part of exon 6 (c.956-5_957del) of the GAA gene. It is expected to disrupt RNA splicing. Variants that disrupt the donor or acceptor splice site typically lead to a loss of protein function (PMID: 16199547), and loss-of-function variants in GAA are known to be pathogenic (PMID: 18425781, 22252923). This variant is not present in population databases (gnomAD no frequency). This variant has been observed in individual(s) with clinical features of Pompe disease (PMID: 34530085). ClinVar contains an entry for this variant (Variation ID: 2573372). In summary, the currently available evidence indicates that the variant is pathogenic, but additional data are needed to prove that conclusively. Therefore, this variant has been classified as Likely Pathogenic.

Literature cited by the submitters: PubMed 34530085 (cited by 3 submitters); PubMed 16199547 (cited by Labcorp Genetics (formerly Invitae), Labcorp); PubMed 18425781 (cited by Labcorp Genetics (formerly Invitae), Labcorp); PubMed 22252923 (cited by Labcorp Genetics (formerly Invitae), Labcorp).